The following is an entry in ClinVar:

ClinVar aggregate classification (germline): Pathogenic (1 of 4 stars; one submission).

Submission:

Labcorp Genetics (formerly Invitae), Labcorp
Classification: Pathogenic. Last evaluated: 2024-10-02. Review status: criteria provided, single submitter. Criteria: Invitae Variant Classification Sherloc (09022015). Collection method: clinical testing. Allele origin: germline.
Comment: This sequence change creates a premature translational stop signal (p.Ser580Cysfs*5) in the ATP2A2 gene. It is expected to result in an absent or disrupted protein product. Loss-of-function variants in ATP2A2 are known to be pathogenic (PMID: 10080178, 10441324). This variant is not present in population databases (gnomAD no frequency). This variant has not been reported in the literature in individuals affected with ATP2A2-related conditions. For these reasons, this variant has been classified as Pathogenic.

Literature cited by the submitters: PubMed 10080178; PubMed 10441324.

NM_170665.4(ATP2A2):c.1739_1740del (p.Ser580fs)

Gene: ATP2A2 (ATPase sarcoplasmic/endoplasmic reticulum Ca2+ transporting 2; plus strand). Cytogenetic location: 12q24.11.
Variant type: Microsatellite.
Coding change: c.1739_1740del on transcript NM_170665.4 (MANE Select); coding-DNA positions 1739 to 1740, 2 bases deleted (CT; older notation c.1739_1740delCT).
Protein change: p.Ser580fs; shifts the reading frame from serine 580.
Molecular consequence: frameshift variant.
Genome position (GRCh38, 1-based): chr12:110,339,699-110,339,700, CT deleted; deleting any 2 consecutive bases within chr12:110,339,697-110,339,700 gives the same sequence; the c. name uses the placement nearest the transcript's 3' end. VCF-style (leftmost placement, unchanged base first): chr12-110339696-ACT-A. GRCh37 (hg19) VCF-style: chr12-110777501-ACT-A.
Other names: c.1634_1635del, p.Ser545fs (NM_001413013.1); c.1739_1740del, p.Ser580fs (NM_001413014.1, NM_001681.4); c.1364_1365del, p.Ser455fs (NM_001413015.1); short protein forms S545fs, S580fs, S455fs.
Identifiers: ClinVar variation 3722093 (VCV003722093.2).